The following is an entry in ClinVar:

NM_022455.5(NSD1):c.6436T>C (p.Cys2146Arg)

Gene: NSD1 (nuclear receptor binding SET domain protein 1; plus strand). Cytogenetic location: 5q35.3.
Variant type: single nucleotide variant.
Coding change: c.6436T>C on transcript NM_022455.5 (MANE Select); coding-DNA position 6436, T replaced by C.
Protein change: p.Cys2146Arg; replaces cysteine 2146 with arginine.
Molecular consequence: missense variant.
Genome position (GRCh38, 1-based): chr5:177,292,131, T>C. VCF-style: chr5-177292131-T-C. GRCh37 (hg19) VCF-style: chr5-176719132-T-C.
Other names: c.5674T>C, p.Cys1892Arg (NM_001409307.1, NM_001409306.1); c.5563T>C, p.Cys1855Arg (NM_001409308.1, NM_172349.5, NM_001365684.2); c.5314T>C, p.Cys1772Arg (NM_001409309.1); c.6436T>C, p.Cys2146Arg (NM_001409301.1, NM_001409302.1, NM_001409303.1); c.6016T>C, p.Cys2006Arg (NM_001409304.1); c.5683T>C, p.Cys1895Arg (NM_001409305.1); short protein forms C1877R, C2146R, C1895R, C1772R, C2006R, C1855R, C1892R.
Identifiers: ClinVar variation 947720 (VCV000947720.12), dbSNP rs1759885769, ClinGen allele CA362321040.

ClinVar aggregate classification (germline): Likely pathogenic. Review status: criteria provided, multiple submitters, no conflicts (2 of 4 stars). 2 submissions from 2 submitters: Likely pathogenic (2). Last evaluated 2026-09-30.

Submissions (2):

GeneDx
Classification: Likely pathogenic. Last evaluated: 2026-09-30. Review status: criteria provided, single submitter. Criteria: GeneDx Variant Classification Process June 2021. Collection method: clinical testing. Allele origin: germline.
Comment: Not observed at significant frequency in large population cohorts (gnomAD); In silico analysis supports that this missense variant has a deleterious effect on protein structure/function; This variant is associated with the following publications: (PMID: 28475857, 15942875, 31981491, 35982159, 35982160)

Labcorp Genetics (formerly Invitae), Labcorp
Classification: Likely pathogenic. Last evaluated: 2023-01-05. Review status: criteria provided, single submitter. Criteria: Invitae Variant Classification Sherloc (09022015). Collection method: clinical testing. Allele origin: germline.
Comment: This sequence change replaces cysteine, which is neutral and slightly polar, with arginine, which is basic and polar, at codon 2146 of the NSD1 protein (p.Cys2146Arg). In summary, the currently available evidence indicates that the variant is pathogenic, but additional data are needed to prove that conclusively. Therefore, this variant has been classified as Likely Pathogenic. This variant disrupts the p.Cys2146 amino acid residue in NSD1. Other variant(s) that disrupt this residue have been determined to be pathogenic (PMID: 26690673). This suggests that this residue is clinically significant, and that variants that disrupt this residue are likely to be disease-causing. Advanced modeling of protein sequence and biophysical properties (such as structural, functional, and spatial information, amino acid conservation, physicochemical variation, residue mobility, and thermodynamic stability) performed at Invitae indicates that this missense variant is expected to disrupt NSD1 protein function. ClinVar contains an entry for this variant (Variation ID: 947720). This missense change has been observed in individual(s) with clinical features of NSD1-related conditions and/or Sotos syndrome (PMID: 15942875, 28475857, 31981491; Invitae). This variant is not present in population databases (gnomAD no frequency).

Literature cited by the submitters: PubMed 26690673 (cited by Labcorp Genetics (formerly Invitae), Labcorp); PubMed 15942875 (cited by Labcorp Genetics (formerly Invitae), Labcorp); PubMed 28475857 (cited by Labcorp Genetics (formerly Invitae), Labcorp); PubMed 31981491 (cited by Labcorp Genetics (formerly Invitae), Labcorp).